The following is an entry in ClinVar:

ClinVar aggregate classification (germline): Pathogenic/Likely pathogenic. Review status: criteria provided, multiple submitters, no conflicts (2 of 4 stars). 6 submissions from 6 submitters: Pathogenic (2); Likely pathogenic (3). 1 of the submissions does not count toward it. Last evaluated 2025-04-14.

Conditions:
Ectodermal dysplasia 14, hair/tooth type with or without hypohidrosis. Identifiers: Orphanet 685067, MedGen C4748560, MONDO:0032584, OMIM 618180.
TSPEAR-related disorder. Also called: TSPEAR-related condition.
Inborn genetic diseases. Identifiers: MedGen C0950123, MeSH D030342.

Submissions (6):

Labcorp Genetics (formerly Invitae), Labcorp
Classification: Pathogenic. Last evaluated: 2025-04-14. Review status: criteria provided, single submitter. Criteria: Invitae Variant Classification Sherloc (09022015). Collection method: clinical testing. Allele origin: germline.
Comment: This sequence change results in a frameshift in the TSPEAR gene (p.Tyr559Cysfs*134). While this is not anticipated to result in nonsense mediated decay, it is expected to disrupt the last 111 amino acid(s) of the TSPEAR protein and extend the protein by 22 additional amino acid residues. This variant is present in population databases (rs781890406, gnomAD 0.01%). This frameshift has been observed in individual(s) with deafness (PMID: 34042254). This variant is also known as c.1472_1473delAT. ClinVar contains an entry for this variant (Variation ID: 817061). This variant disrupts a region of the TSPEAR protein in which other variant(s) (p.Val576Leufs*38) have been determined to be pathogenic (PMID: 27736875, 30046887). This suggests that this is a clinically significant region of the protein, and that variants that disrupt it are likely to be disease-causing. For these reasons, this variant has been classified as Pathogenic.

Blueprint Genetics
Classification: Likely pathogenic for TSPEAR-related disorders. Last evaluated: 2024-11-01. Review status: criteria provided, single submitter. Criteria: ACMG Guidelines, 2015. Collection method: clinical testing. Allele origin: germline. Affected: yes. Observed: 3 variant alleles.

GeneDx
Classification: Likely pathogenic. Last evaluated: 2024-09-05. Review status: criteria provided, single submitter. Criteria: GeneDx Variant Classification Process June 2021. Collection method: clinical testing. Allele origin: germline. Affected: yes.
Comment: Frameshift variant predicted to result in abnormal protein length as the last 111 amino acid(s) are replaced with 133 different amino acid(s), and other similar variants have been reported in HGMD; This variant is associated with the following publications: (PMID: 34042254, 26969326)

Department of Pathology and Laboratory Medicine, Sinai Health System
Classification: Likely pathogenic for Ectodermal dysplasia 14, hair/tooth type with or without hypohidrosis. Last evaluated: 2023-08-01. Review status: criteria provided, single submitter. Criteria: ACMG Guidelines, 2015. Collection method: research. Allele origin: germline.

Ambry Genetics
Classification: Pathogenic for Inborn genetic diseases. Last evaluated: 2019-03-28. Review status: criteria provided, single submitter. Criteria: Ambry exome assertion method (8-5-2015). Collection method: clinical testing. Allele origin: germline. Affected: yes. Observed: 1 variant allele.

PreventionGenetics, part of Exact Sciences
Classification: Likely pathogenic for TSPEAR-related condition. Last evaluated: 2024-09-10. Review status: no assertion criteria provided. Collection method: clinical testing. Allele origin: germline. Not counted in ClinVar's aggregate classification.
Comment: The TSPEAR c.1676_1677delAT variant is predicted to result in a frameshift and premature protein termination (p.Tyr559Cysfs*134). This variant was reported, along with another variant in TSPEAR in an individual with Hearing loss (reported as c.1472_1473delAT in Sloan-Heggen et al. 2016. PubMed ID: 26969326). This variant is reported in 0.0093% of alleles in individuals of European (Non-Finnish) descent in gnomAD. Frameshift variants in TSPEAR are expected to be pathogenic. This variant is interpreted as likely pathogenic.

Literature cited by the submitters: PubMed 34042254 (cited by Labcorp Genetics (formerly Invitae), Labcorp); PubMed 27736875 (cited by Labcorp Genetics (formerly Invitae), Labcorp); PubMed 30046887 (cited by Labcorp Genetics (formerly Invitae), Labcorp); PubMed 26969326 (cited by Ambry Genetics).

NM_144991.3(TSPEAR):c.1676_1677del (p.Tyr559fs)

Genes: TSPEAR (thrombospondin type laminin G domain and EAR repeats; minus strand), TSPEAR-AS1 (TSPEAR antisense RNA 1; plus strand), LOC126653398 (CDK7 strongly-dependent group 2 enhancer GRCh37_chr21:45928270-45929469; plus strand). Cytogenetic location: 21q22.3.
Variant type: Deletion.
Coding change: c.1676_1677del on transcript NM_144991.3 (MANE Select); coding-DNA positions 1676 to 1677, 2 bases deleted (AT; older notation c.1676_1677delAT).
Protein change: p.Tyr559fs; shifts the reading frame from tyrosine 559.
Molecular consequence: frameshift variant. On other transcripts: non-coding transcript variant (1).
Genome position (GRCh38, 1-based): chr21:44,509,276-44,509,277, AT deleted on the plus strand (AT on the coding strand, the reverse complement: TSPEAR is on the minus strand); deleting any 2 consecutive bases within chr21:44,509,276-44,509,278 gives the same sequence; the c. name uses the placement nearest the transcript's 3' end. VCF-style (leftmost placement, unchanged base first): chr21-44509275-CAT-C. GRCh37 (hg19) VCF-style: chr21-45929158-CAT-C.
Other names: c.1472_1473del, p.Tyr491fs (NM_001272037.2); c.1676_1677delAT (NM_144991.2); short protein forms Y559fs, Y491fs.
Identifiers: ClinVar variation 817061 (VCV000817061.13), dbSNP rs781890406, ClinGen allele CA10056422.